The following is an entry in ClinVar:

ClinVar aggregate classification (germline): Pathogenic (1 of 4 stars; one submission).

Submission:

ISCA site 4
Classification: Pathogenic. Last evaluated: 2011-08-12. Review status: criteria provided, single submitter. Criteria: Kaminsky et al. (Genet Med. 2011). Collection method: clinical testing. Allele origin: de novo. Affected: yes. Observed: 1 variant allele.
Comment: Copy number variation identified through the course of routine clinical cytogenomic testing in postnatal populations. Clinical assertions have been curated as described in Kaminsky et al. 2011.

GRCh38/hg38 2q35-36.3(chr2:219081620-225430308)x1

Genes: ABCB6 (ATP binding cassette subfamily B member 6 (LAN blood group); minus strand), ACSL3 (acyl-CoA synthetase long chain family member 3; plus strand), ACSL3-AS1 (ACSL3 antisense RNA 1; minus strand), ANKZF1 (ankyrin repeat and zinc finger peptidyl tRNA hydrolase 1; plus strand), AP1S3 (adaptor related protein complex 1 subunit sigma 3; minus strand) and 192 more. Cytogenetic location: 2q35-36.3.
Variant type: copy number loss.
Change: copy number 1 (one copy instead of two) of chr2:219,081,620-225,430,308 (6.35 Mb, GRCh38 coordinates, 1-based), cytogenetic band 2q35-36.3.
Identifiers: ClinVar variation 58844 (VCV000058844.1).